The following is an entry in ClinVar:

ClinVar aggregate classification (germline): Uncertain significance. Review status: criteria provided, multiple submitters, no conflicts (2 of 4 stars). 2 submissions from 2 submitters: Uncertain significance (2). Last evaluated 2025-06-07.

Conditions:
DICER1-related tumor predisposition. Also called: DICER1-related pleuropulmonary blastoma cancer predisposition syndrome; DICER1 syndrome. Identifiers: Orphanet 284343, MedGen C3839822, MONDO:0100216.
Hereditary cancer-predisposing syndrome. Also called: Hereditary Cancer Syndrome; Hereditary neoplastic syndrome; Neoplastic Syndromes, Hereditary; Tumor predisposition. Identifiers: Orphanet 140162, MedGen C0027672, MeSH D009386, MONDO:0015356.

Allele frequency attached by ClinVar (database versions not stated): gnomAD exomes below 0.00001.
gnomAD v4.1: 1 of 1,613,598 alleles (0.000062%); highest among the groups gnomAD compares: African/African-American, 0.0013%; no homozygotes.

Submissions (2):

Ambry Genetics
Classification: Uncertain significance for Hereditary cancer-predisposing syndrome. Last evaluated: 2025-06-07. Review status: criteria provided, single submitter. Criteria: Ambry Variant Classification Scheme 2023. Collection method: clinical testing. Allele origin: germline.
Comment: The p.K144R variant (also known as c.431A>G), located in coding exon 3 of the DICER1 gene, results from an A to G substitution at nucleotide position 431. The lysine at codon 144 is replaced by arginine, an amino acid with highly similar properties. This amino acid position is conserved. In addition, this alteration is predicted to be tolerated by in silico analysis. Based on the available evidence, the clinical significance of this variant remains unclear.

Labcorp Genetics (formerly Invitae), Labcorp
Classification: Uncertain significance for DICER1-related tumor predisposition. Last evaluated: 2023-08-11. Review status: criteria provided, single submitter. Criteria: Invitae Variant Classification Sherloc (09022015). Collection method: clinical testing. Allele origin: germline.
Comment: This sequence change replaces lysine, which is basic and polar, with arginine, which is basic and polar, at codon 144 of the DICER1 protein (p.Lys144Arg). This variant is not present in population databases (gnomAD no frequency). In summary, the available evidence is currently insufficient to determine the role of this variant in disease. Therefore, it has been classified as a Variant of Uncertain Significance. Advanced modeling of protein sequence and biophysical properties (such as structural, functional, and spatial information, amino acid conservation, physicochemical variation, residue mobility, and thermodynamic stability) performed at Invitae indicates that this missense variant is not expected to disrupt DICER1 protein function. This variant has not been reported in the literature in individuals affected with DICER1-related conditions.

NM_177438.3(DICER1):c.431A>G (p.Lys144Arg)

Gene: DICER1 (dicer 1, ribonuclease III; minus strand). Cytogenetic location: 14q32.13.
Variant type: single nucleotide variant.
Coding change: c.431A>G on transcript NM_177438.3 (MANE Select); coding-DNA position 431, A replaced by G.
Protein change: p.Lys144Arg; replaces lysine 144 with arginine.
Molecular consequence: missense variant. On other transcripts: 5 prime UTR variant (2), non-coding transcript variant (5), intron variant (6).
Genome position (GRCh38, 1-based): chr14:95,131,516, T>C on the plus strand (A>G on the coding strand, the complement: DICER1 is on the minus strand). VCF-style: chr14-95131516-T-C. GRCh37 (hg19) VCF-style: chr14-95597853-T-C.
Other names: c.149A>G, p.Lys50Arg (NM_001395686.1); c.-28A>G (NM_001395691.1); c.431A>G, p.Lys144Arg (NM_001395692.1, NM_001395693.1, NM_001395694.1 and 15 more transcripts); c.-1138A>G (NM_001395697.1); c.33+999A>G (NM_001395690.1, NM_001395687.1, NM_001395689.1 and 3 more transcripts); short protein forms K144R, K50R.
Identifiers: ClinVar variation 2873698 (VCV002873698.4), dbSNP rs1060503629, ClinGen allele CA390888790.